The following is an entry in ClinVar:

ClinVar aggregate classification (germline): Benign/Likely benign. Review status: criteria provided, multiple submitters, no conflicts (2 of 4 stars). 6 submissions from 6 submitters: Benign (2); Likely benign (4). Last evaluated 2025-06-08.

Conditions:
Hereditary cancer-predisposing syndrome. Also called: Tumor predisposition; Neoplastic Syndromes, Hereditary; Hereditary neoplastic syndrome; Hereditary Cancer Syndrome. Identifiers: Orphanet 140162, MedGen C0027672, MeSH D009386, MONDO:0015356.
Fanconi anemia complementation group O. Also called: RAD51C-Related Fanconi Anemia. Identifiers: Orphanet 84, MedGen C3150653, MONDO:0013248, OMIM 613390.
Breast-ovarian cancer, familial, susceptibility to, 3. Also called: RAD51C-Related Breast/Ovarian Cancer. Identifiers: Orphanet 145, MedGen C3150659, MONDO:0013253, OMIM 613399.

Allele frequency attached by ClinVar (database versions not stated): gnomAD exomes below 0.00001; TOPMed 0.00001.
gnomAD v4.1: 2 of 1,614,046 alleles (0.00012%); highest among the groups gnomAD compares: Non-Finnish European, 0.00017%; no homozygotes.

Submissions (6):

Labcorp Genetics (formerly Invitae), Labcorp
Classification: Likely benign for Fanconi anemia complementation group O. Last evaluated: 2025-06-08. Review status: criteria provided, single submitter. Criteria: Invitae Variant Classification Sherloc (09022015). Collection method: clinical testing. Allele origin: germline.

Myriad Genetics, Inc.
Classification: Benign for Breast-ovarian cancer, familial, susceptibility to, 3. Last evaluated: 2025-02-14. Review status: criteria provided, single submitter. Criteria: Myriad Autosomal Dominant, Autosomal Recessive and X-Linked Classification Criteria (2023). Collection method: clinical testing. Allele origin: unknown.
Comment: This variant is considered benign. This variant is a silent/synonymous amino acid change and it is not expected to impact splicing.

Blueprint Genetics
Classification: Likely benign. Last evaluated: 2022-10-27. Review status: criteria provided, single submitter. Criteria: ACMG Guidelines, 2015. Collection method: clinical testing. Allele origin: germline.

Color Diagnostics, LLC DBA Color Health
Classification: Likely benign for Hereditary cancer-predisposing syndrome. Last evaluated: 2018-03-23. Review status: criteria provided, single submitter. Criteria: ACMG Guidelines, 2015. Collection method: clinical testing. Allele origin: germline.

Ambry Genetics
Classification: Likely benign for Hereditary cancer-predisposing syndrome. Last evaluated: 2014-11-18. Review status: criteria provided, single submitter. Criteria: Ambry Variant Classification Scheme 2023. Collection method: clinical testing. Allele origin: germline.

GeneDx
Classification: Benign. Last evaluated: 2014-10-01. Review status: criteria provided, single submitter. Criteria: GeneDx Variant Classification (06012015). Collection method: clinical testing. Allele origin: germline. Affected: yes.
Comment: This variant is considered likely benign or benign based on one or more of the following criteria: it is a conservative change, it occurs at a poorly conserved position in the protein, it is predicted to be benign by multiple in silico algorithms, and/or has population frequency not consistent with disease.

NM_058216.3(RAD51C):c.189T>C (p.Ile63=)

Gene: RAD51C (RAD51 paralog C; plus strand). Cytogenetic location: 17q22.
Variant type: single nucleotide variant.
Coding change: c.189T>C on transcript NM_058216.3 (MANE Select); coding-DNA position 189, T replaced by C.
Protein change: p.Ile63=; no amino-acid change (isoleucine 63 retained).
Molecular consequence: synonymous variant. On other transcripts: non-coding transcript variant (2).
Genome position (GRCh38, 1-based): chr17:58,694,974, T>C. VCF-style: chr17-58694974-T-C. GRCh37 (hg19) VCF-style: chr17-56772335-T-C.
Other names: p.I63I:ATT>ATC; c.189T>C, p.Ile63= (NM_002876.4).
Identifiers: ClinVar variation 182825 (VCV000182825.20), dbSNP rs730881923, ClinGen allele CA299855.
Genomic context (GRCh38, chr17:58,694,974, plus strand): 5'-TCTTATTTTACTTTCAGAAGTTGGGATATCTAAAGCAGAAGCCTTAGAAACTCTGCAAAT[T>C]ATCAGAAGAGAATGTCTCACAAATAAACCAAGATATGCTGGTACATCTGAGTCACACAAG-3'
Protein context (NP_478123.1, residues 53-73): SKAEALETLQ[Ile63=]IRRECLTNKP